The following is an entry in ClinVar:

ClinVar aggregate classification (germline): Likely benign. Review status: criteria provided, single submitter (1 of 4 stars). 2 submissions from 2 submitters: Likely benign (1). 1 of the submissions does not count toward it. Last evaluated 2024-02-16.

Conditions:
ALG1-related disorder. Also called: ALG1-related condition.
ALG1-congenital disorder of glycosylation. Also called: CDG Ik; ALG1-CDG; CONGENITAL DISORDER OF GLYCOSYLATION, TYPE Ik. Identifiers: Orphanet 79327, MedGen C2931005, MONDO:0012052, OMIM 608540.

Allele frequency attached by ClinVar (database versions not stated): gnomAD exomes below 0.00001; ExAC 0.00002; TOPMed 0.00004.
gnomAD v4.1: 1 of 1,614,170 alleles (0.000062%); highest among the groups gnomAD compares: East Asian, 0.0022%; no homozygotes.

Submissions (2):

Labcorp Genetics (formerly Invitae), Labcorp
Classification: Likely benign for ALG1-congenital disorder of glycosylation. Last evaluated: 2024-02-16. Review status: criteria provided, single submitter. Criteria: Invitae Variant Classification Sherloc (09022015). Collection method: clinical testing. Allele origin: germline.

PreventionGenetics, part of Exact Sciences
Classification: Likely benign for ALG1-related condition. Last evaluated: 2020-10-15. Review status: no assertion criteria provided. Collection method: clinical testing. Allele origin: germline. Not counted in ClinVar's aggregate classification.
Comment: This variant is classified as likely benign based on ACMG/AMP sequence variant interpretation guidelines (Richards et al. 2015 PMID: 25741868, with internal and published modifications).

NM_019109.5(ALG1):c.372T>C (p.Gly124=)

Gene: ALG1 (ALG1 chitobiosyldiphosphodolichol beta-mannosyltransferase; plus strand). Cytogenetic location: 16p13.3.
Variant type: single nucleotide variant.
Coding change: c.372T>C on transcript NM_019109.5 (MANE Select); coding-DNA position 372, T replaced by C.
Protein change: p.Gly124=; no amino-acid change (glycine 124 retained).
Molecular consequence: synonymous variant.
Genome position (GRCh38, 1-based): chr16:5,073,238, T>C. VCF-style: chr16-5073238-T-C. GRCh37 (hg19) VCF-style: chr16-5123239-T-C.
Other names: c.372T>C (NM_019109.4); c.39T>C, p.Gly13= (NM_001330504.2).
Identifiers: ClinVar variation 2916800 (VCV002916800.5), dbSNP rs762919376, ClinGen allele CA7889796.